The following is an entry in ClinVar:

NM_032634.4(PIGO):c.317C>T (p.Ser106Phe)

Gene: PIGO (phosphatidylinositol glycan anchor biosynthesis class O; minus strand). Cytogenetic location: 9p13.3.
Variant type: single nucleotide variant.
Coding change: c.317C>T on transcript NM_032634.4 (MANE Select); coding-DNA position 317, C replaced by T.
Protein change: p.Ser106Phe; replaces serine 106 with phenylalanine.
Molecular consequence: missense variant.
Genome position (GRCh38, 1-based): chr9:35,095,249, G>A on the plus strand (C>T on the coding strand, the complement: PIGO is on the minus strand). VCF-style: chr9-35095249-G-A. GRCh37 (hg19) VCF-style: chr9-35095246-G-A.
Other names: c.317C>T, p.Ser106Phe (NM_001201484.2, NM_152850.4); short protein forms S106F.
Identifiers: ClinVar variation 1524238 (VCV001524238.6), dbSNP rs1346782397, ClinGen allele CA373324534.

ClinVar aggregate classification (germline): Uncertain significance (1 of 4 stars; one submission).

Conditions:
Hyperphosphatasia with impaired intellectual development syndrome 2. Also called: Hyperphosphatasia with intellectual disability syndrome 2; GLYCOSYLPHOSPHATIDYLINOSITOL BIOSYNTHESIS DEFECT 6. Identifiers: Orphanet 247262, MedGen C3553637, MONDO:0013882, OMIM 614749.

Allele frequency attached by ClinVar (database versions not stated): TOPMed below 0.00001; gnomAD exomes below 0.00001.
gnomAD v4.1: 2 of 1,614,166 alleles (0.00012%); highest among the groups gnomAD compares: Admixed American, 0.0017%; no homozygotes.

Submission:

Labcorp Genetics (formerly Invitae), Labcorp
Classification: Uncertain significance for Hyperphosphatasia with impaired intellectual development syndrome 2. Last evaluated: 2023-12-06. Review status: criteria provided, single submitter. Criteria: Invitae Variant Classification Sherloc (09022015). Collection method: clinical testing. Allele origin: germline.
Comment: This sequence change replaces serine, which is neutral and polar, with phenylalanine, which is neutral and non-polar, at codon 106 of the PIGO protein (p.Ser106Phe). This variant is present in population databases (no rsID available, gnomAD 0.003%). This variant has not been reported in the literature in individuals affected with PIGO-related conditions. ClinVar contains an entry for this variant (Variation ID: 1524238). Advanced modeling of protein sequence and biophysical properties (such as structural, functional, and spatial information, amino acid conservation, physicochemical variation, residue mobility, and thermodynamic stability) performed at Invitae indicates that this missense variant is not expected to disrupt PIGO protein function with a negative predictive value of 80%. In summary, the available evidence is currently insufficient to determine the role of this variant in disease. Therefore, it has been classified as a Variant of Uncertain Significance.